The following is an entry in ClinVar:

NM_000127.3(EXT1):c.839G>C (p.Arg280Thr)

Gene: EXT1 (exostosin glycosyltransferase 1; minus strand). Cytogenetic location: 8q24.11.
Variant type: single nucleotide variant.
Coding change: c.839G>C on transcript NM_000127.3 (MANE Select); coding-DNA position 839, G replaced by C.
Protein change: p.Arg280Thr; replaces arginine 280 with threonine.
Molecular consequence: missense variant.
Genome position (GRCh38, 1-based): chr8:118,110,208, C>G on the plus strand (G>C on the coding strand, the complement: EXT1 is on the minus strand). VCF-style: chr8-118110208-C-G. GRCh37 (hg19) VCF-style: chr8-119122447-C-G.
Other names: short protein forms R280T.
Identifiers: ClinVar variation 661677 (VCV000661677.1), dbSNP rs1586279403, ClinGen allele CA371914943.
Genomic context (GRCh38, chr8:118,110,208, plus strand): 5'-TGCTTGCAGGTGGTGAGGAGCACAACGTCCTCCCCGTTATGGACGTGATATAAGGCATTC[C>G]TGGTGTCTGATCCTATCCCTGTCAGGTACCTCTTCCCCTTGAATACCAGCATGTACTTCC-3'
Protein context (NP_000118.2, residues 270-290): RYLTGIGSDT[Arg280Thr]NALYHVHNGE

ClinVar aggregate classification (germline): Uncertain significance (1 of 4 stars; one submission).

Conditions:
Multiple congenital exostosis (EXT). Also called: MULTIPLE CARTILAGINOUS EXOSTOSES; Multiple osteochondromas; Hereditary multiple exostoses; Hereditary multiple exostosis; Multiple exostoses; Hereditary multiple osteochondromas. Identifiers: Orphanet 321, MedGen C0015306, MONDO:0005508, HP:0002762.

Submission:

Labcorp Genetics (formerly Invitae), Labcorp
Classification: Uncertain significance for Multiple congenital exostosis. Last evaluated: 2018-12-05. Review status: criteria provided, single submitter. Criteria: Invitae Variant Classification Sherloc (09022015). Collection method: clinical testing. Allele origin: germline.
Comment: This sequence change replaces arginine with threonine at codon 280 of the EXT1 protein (p.Arg280Thr). The arginine residue is highly conserved and there is a moderate physicochemical difference between arginine and threonine. This variant is not present in population databases (ExAC no frequency). This variant has been reported in individuals in the Leiden Open-source Variation Database (PMID: 21520333). Algorithms developed to predict the effect of missense changes on protein structure and function are either unavailable or do not agree on the potential impact of this missense change (SIFT: "Deleterious"; PolyPhen-2: "Probably Damaging"; Align-GVGD: "Class C0"). This variant disrupts the p.Arg280 amino acid residue in EXT1. Other variant(s) that disrupt this residue have been observed in individuals with EXT1-related conditions (PMID:Â¬â€ 9521425,Â¬â€ 11391482, 9463333), suggesting that it is a clinically significant residue. As a result, variants that disrupt this residue are likely to be causative of disease. In summary, the available evidence is currently insufficient to determine the role of this variant in disease. Therefore, it has been classified as a Variant of Uncertain Significance.

Literature cited by the submitters: PubMed 21520333.